The following is an entry in ClinVar:

NM_006214.4(PHYH):c.76-2A>G

Gene: PHYH (phytanoyl-CoA 2-hydroxylase; minus strand). Cytogenetic location: 10p13.
Variant type: single nucleotide variant.
Coding change: c.76-2A>G on transcript NM_006214.4 (MANE Select); the canonical splice acceptor site of the intron before coding-DNA position 76, A replaced by G.
Molecular consequence: splice acceptor variant. On other transcripts: intron variant (2).
Genome position (GRCh38, 1-based): chr10:13,298,247, T>C on the plus strand (A>G on the coding strand, the complement: PHYH is on the minus strand). VCF-style: chr10-13298247-T-C. GRCh37 (hg19) VCF-style: chr10-13340247-T-C.
Other names: c.76-2A>G (NM_001323083.2, NM_001323082.2); c.-167+1173A>G (NM_001037537.2, NM_001323084.2); c.-225-2A>G (NM_001323080.2).
Identifiers: ClinVar variation 1520753 (VCV001520753.6), dbSNP rs2131661125, ClinGen allele CA376038214.
Genomic context (GRCh38, chr10:13,298,247, plus strand): 5'-TGGAATTGTTGAGGATGGAAACTGGCAGAGGAAATAGTCCCTGAAGTGGGATGAGCTACC[T>C]AGGATGTGAATTAAGGCAAATAAAGTAAAATATAGAAGGCCAGGCACGGTGGCTCATGCC-3'

ClinVar aggregate classification (germline): Likely pathogenic (1 of 4 stars; one submission).

Allele frequency attached by ClinVar (database versions not stated): gnomAD exomes below 0.00001.
gnomAD v4.1: 1 of 1,592,442 alleles (0.000063%); highest among the groups gnomAD compares: Non-Finnish European, 0.000086%; no homozygotes.

Submission:

Labcorp Genetics (formerly Invitae), Labcorp
Classification: Likely pathogenic. Last evaluated: 2021-11-02. Review status: criteria provided, single submitter. Criteria: Invitae Variant Classification Sherloc (09022015). Collection method: clinical testing. Allele origin: germline.
Comment: In summary, the currently available evidence indicates that the variant is pathogenic, but additional data are needed to prove that conclusively. Therefore, this variant has been classified as Likely Pathogenic. Algorithms developed to predict the effect of sequence changes on RNA splicing suggest that this variant may disrupt the consensus splice site. This variant has not been reported in the literature in individuals affected with PHYH-related conditions. This variant is not present in population databases (gnomAD no frequency). This sequence change affects an acceptor splice site in intron 1 of the PHYH gene. It is expected to disrupt RNA splicing. Variants that disrupt the donor or acceptor splice site typically lead to a loss of protein function (PMID: 16199547), and loss-of-function variants in PHYH are known to be pathogenic (PMID: 9326940, 14974078).

Literature cited by the submitters: PubMed 16199547; PubMed 9326940; PubMed 14974078.